The following is an entry in ClinVar:

NM_000052.7(ATP7A):c.1690G>A (p.Gly564Ser)

Gene: ATP7A (ATPase copper transporting alpha; plus strand). Cytogenetic location: Xq21.1.
Variant type: single nucleotide variant.
Coding change: c.1690G>A on transcript NM_000052.7 (MANE Select); coding-DNA position 1690, G replaced by A.
Protein change: p.Gly564Ser; replaces glycine 564 with serine.
Molecular consequence: missense variant.
Genome position (GRCh38, 1-based): chrX:78,003,219, G>A. VCF-style: chrX-78003219-G-A. GRCh37 (hg19) VCF-style: chrX-77258716-G-A.
Other names: c.1690G>A, p.Gly564Ser (NM_001282224.2); short protein forms G564S.
Identifiers: ClinVar variation 1778133 (VCV001778133.4), dbSNP rs782205068, ClinGen allele CA10459079.

ClinVar aggregate classification (germline): Uncertain significance. Review status: criteria provided, multiple submitters, no conflicts (2 of 4 stars). 2 submissions from 2 submitters: Uncertain significance (2). Last evaluated 2022-08-01.

Conditions:
Cutis laxa, X-linked (OHS). Also called: EDS IX; Occipital horn syndrome. Identifiers: Orphanet 198, MedGen C0268353, MONDO:0010572, OMIM 304150.
Menkes kinky-hair syndrome (MNK). Also called: Classic Menkes Disease; Copper transport disease; Menkes Disease. Identifiers: Orphanet 565, MedGen C0022716, MONDO:0010651, OMIM 309400.
X-linked distal spinal muscular atrophy type 3. Also called: NEURONOPATHY, DISTAL HEREDITARY MOTOR, X-LINKED; NEUROPATHY, DISTAL HEREDITARY MOTOR, X-LINKED; ATP7A-Related Distal Motor Neuropathy; SPINAL MUSCULAR ATROPHY, DISTAL, X-LINKED RECESSIVE. Identifiers: Orphanet 139557, MedGen C1845359, MONDO:0010338, OMIM 300489.
Inborn genetic diseases. Identifiers: MedGen C0950123, MeSH D030342.

Allele frequency attached by ClinVar (database versions not stated): gnomAD exomes below 0.00001; TOPMed below 0.00001; ExAC 0.00001; gnomAD 0.00001.
gnomAD v4.1: 3 of 1,208,148 alleles (0.00025%); highest among the groups gnomAD compares: African/African-American, 0.0053%; no homozygotes.

Submissions (2):

Labcorp Genetics (formerly Invitae), Labcorp
Classification: Uncertain significance for X-linked distal spinal muscular atrophy type 3; Cutis laxa, X-linked; Menkes kinky-hair syndrome. Last evaluated: 2022-08-01. Review status: criteria provided, single submitter. Criteria: Invitae Variant Classification Sherloc (09022015). Collection method: clinical testing. Allele origin: germline.
Comment: This sequence change replaces glycine, which is neutral and non-polar, with serine, which is neutral and polar, at codon 564 of the ATP7A protein (p.Gly564Ser). This variant is present in population databases (rs782205068, gnomAD 0.008%). This missense change has been observed in individual(s) with clinical features of distal hereditary motor neuropathy (Invitae). Advanced modeling of protein sequence and biophysical properties (such as structural, functional, and spatial information, amino acid conservation, physicochemical variation, residue mobility, and thermodynamic stability) performed at Invitae indicates that this missense variant is expected to disrupt ATP7A protein function. In summary, the available evidence is currently insufficient to determine the role of this variant in disease. Therefore, it has been classified as a Variant of Uncertain Significance.

Ambry Genetics
Classification: Uncertain significance for Inborn genetic diseases. Last evaluated: 2020-02-28. Review status: criteria provided, single submitter. Criteria: Ambry Variant Classification Scheme 2023. Collection method: clinical testing. Allele origin: germline.
Comment: The p.G564S variant (also known as c.1690G>A), located in coding exon 5 of the ATP7A gene, results from a G to A substitution at nucleotide position 1690. The glycine at codon 564 is replaced by serine, an amino acid with similar properties. This amino acid position is highly conserved in available vertebrate species. In addition, this alteration is predicted to be deleterious by in silico analysis. Since supporting evidence is limited at this time, the clinical significance of this alteration remains unclear.